The following is an entry in ClinVar:

NM_001142800.2(EYS):c.-357C>A

Gene: EYS (EGF-like photoreceptor maintenance factor; minus strand). Cytogenetic location: 6q12.
Variant type: single nucleotide variant.
Coding change: c.-357C>A on transcript NM_001142800.2 (MANE Select); 357 bases upstream of the start codon, C replaced by A.
Molecular consequence: 5 prime UTR variant.
Genome position (GRCh38, 1-based): chr6:65,639,802, G>T on the plus strand (C>A on the coding strand, the complement: EYS is on the minus strand). VCF-style: chr6-65639802-G-T. GRCh37 (hg19) VCF-style: chr6-66349695-G-T.
Other names: c.-357C>A (NM_001142801.2, NM_001292009.2).
Identifiers: ClinVar variation 1352359 (VCV001352359.6), dbSNP rs890952509, ClinGen allele CA140452327.

ClinVar aggregate classification (germline): Uncertain significance (1 of 4 stars; one submission).

Allele frequency attached by ClinVar (database versions not stated): TOPMed 0.00002; gnomAD 0.00004.
gnomAD v4.1: 5 of 152,120 alleles (0.0033%); highest among the groups gnomAD compares: African/African-American, 0.012%; no homozygotes.

Submission:

Labcorp Genetics (formerly Invitae), Labcorp
Classification: Uncertain significance. Last evaluated: 2021-08-12. Review status: criteria provided, single submitter. Criteria: Invitae Variant Classification Sherloc (09022015). Collection method: clinical testing. Allele origin: germline.
Comment: In summary, the available evidence is currently insufficient to determine the role of this variant in disease. Therefore, it has been classified as a Variant of Uncertain Significance. Experimental studies and prediction algorithms are not available or were not evaluated, and the functional significance of this variant is currently unknown. This variant has not been reported in the literature in individuals affected with EYS-related conditions. The frequency data for this variant in the population databases is considered unreliable, as metrics indicate insufficient coverage at this position in the ExAC database. This variant occurs in a non-coding region of the EYS gene. It does not change the encoded amino acid sequence of the EYS protein.